The following is an entry in ClinVar:

ClinVar aggregate classification (germline): Uncertain significance (1 of 4 stars; one submission).

Conditions:
Charcot-Marie-Tooth disease axonal type 2O. Also called: Charcot-Marie-Tooth disease, axonal, type 20; CHARCOT-MARIE-TOOTH NEUROPATHY, AXONAL, TYPE 2O; CHARCOT-MARIE-TOOTH DISEASE, AXONAL, AUTOSOMAL DOMINANT, TYPE 2O; Charcot-Marie-Tooth Neuropathy Type 2O. Identifiers: Orphanet 284232, MedGen C3280220, MONDO:0013644, OMIM 614228.

Submission:

Labcorp Genetics (formerly Invitae), Labcorp
Classification: Uncertain significance for Charcot-Marie-Tooth disease axonal type 2O. Last evaluated: 2023-06-09. Review status: criteria provided, single submitter. Criteria: Invitae Variant Classification Sherloc (09022015). Collection method: clinical testing. Allele origin: germline.
Comment: In summary, the available evidence is currently insufficient to determine the role of this variant in disease. Therefore, it has been classified as a Variant of Uncertain Significance. Advanced modeling of protein sequence and biophysical properties (such as structural, functional, and spatial information, amino acid conservation, physicochemical variation, residue mobility, and thermodynamic stability) performed at Invitae indicates that this missense variant is expected to disrupt DYNC1H1 protein function. This variant has not been reported in the literature in individuals affected with DYNC1H1-related conditions. This variant is not present in population databases (gnomAD no frequency). This sequence change replaces isoleucine, which is neutral and non-polar, with valine, which is neutral and non-polar, at codon 3461 of the DYNC1H1 protein (p.Ile3461Val).

NM_001376.5(DYNC1H1):c.10381A>G (p.Ile3461Val)

Gene: DYNC1H1 (dynein cytoplasmic 1 heavy chain 1; plus strand). Cytogenetic location: 14q32.31.
Variant type: single nucleotide variant.
Coding change: c.10381A>G on transcript NM_001376.5 (MANE Select); coding-DNA position 10381, A replaced by G.
Protein change: p.Ile3461Val; replaces isoleucine 3461 with valine.
Molecular consequence: missense variant.
Genome position (GRCh38, 1-based): chr14:102,033,452, A>G. VCF-style: chr14-102033452-A-G. GRCh37 (hg19) VCF-style: chr14-102499789-A-G.
Other names: short protein forms I3461V.
Identifiers: ClinVar variation 2702378 (VCV002702378.3), dbSNP rs2503824032, ClinGen allele CA391024840.
Genomic context (GRCh38, chr14:102,033,452, plus strand): 5'-GAAGCCAGCATCGCCCGCTACAAGGAGGAATACGCCGTCCTGATCTCAGAGGCCCAGGCC[A>G]TCAAGGCAGACCTGGCAGCTGTCGAGGCAAAAGTAAGATTATCATCATTGATCCTCAGCC-3'
Protein context (NP_001367.2, residues 3451-3471): YAVLISEAQA[Ile3461Val]KADLAAVEAK